The following is an entry in ClinVar:

ClinVar aggregate classification (germline): Pathogenic. Review status: reviewed by expert panel (3 of 4 stars). 12 submissions from 12 submitters: Pathogenic (1). 11 of the submissions do not count toward it. Last evaluated 2024-11-26.

Conditions:
ATM-related cancer predisposition. Also called: ATM-related cancer susceptibility. Identifiers: MedGen CN377759, MONDO:0700270.
ATM-related disorder. Also called: ATM-related disorders; ATM-related condition.
Breast cancer, susceptibility to. Identifiers: MedGen C3469522. Disease mechanism: gain of function.
Ataxia-telangiectasia syndrome (AT). Also called: LOUIS-BAR SYNDROME; Ataxia-telangiectasia, complementation group E; ATAXIA-TELANGIECTASIA, COMPLEMENTATION GROUP A; ATAXIA-TELANGIECTASIA, FRESNO VARIANT; Ataxia-telangiectasia; Ataxia telangiectasia (A-T). Identifiers: Orphanet 100, MedGen C0004135, MONDO:0008840, OMIM 208900.
Hereditary cancer-predisposing syndrome. Also called: Neoplastic Syndromes, Hereditary; Tumor predisposition; Hereditary Cancer Syndrome; Hereditary neoplastic syndrome. Identifiers: Orphanet 140162, MedGen C0027672, MeSH D009386, MONDO:0015356.
Familial cancer of breast. Also called: hereditary breast carcinoma; BREAST CANCER, FAMILIAL; Hereditary breast cancer. Identifiers: Orphanet 227535, MedGen C0346153, MONDO:0016419, OMIM 114480. Disease mechanism: loss of function.

Allele frequency attached by ClinVar (database versions not stated): gnomAD exomes below 0.00001 and 0.00001; TOPMed below 0.00001; gnomAD 0.00001.
gnomAD v4.1: 8 of 1,613,722 alleles (0.0005%); highest among the groups gnomAD compares: Non-Finnish European, 0.00059%; no homozygotes.

Submissions (12):

ClinGen Hereditary Breast, Ovarian and Pancreatic Cancer Variant Curation Expert Panel, ClinGen
Classification: Pathogenic for ATM-related cancer predisposition. Last evaluated: 2024-11-26. Review status: reviewed by expert panel. Criteria: ClinGen HBOP ACMG Specifications ATM V1.3.0. Collection method: curation. Allele origin: germline. Inheritance: Autosomal dominant inheritance.
Comment: The c.3214G>T (p.Glu1072*) variant in ATM is a nonsense variant predicted to cause a premature stop codon in biologically-relevant-exon leading to nonsense mediated decay in a gene in which loss-of-function is an established disease mechanism. This alteration results in a termination codon upstream of the most C-terminal pathogenic alteration (ATM p.Arg3047*), as classified by the HBOP VCEP, and is expected to be more deleterious. This variant has been detected in at least 3 individuals with Ataxia-Telangiectasia (PMID: 9443866, 26896183, 30579816). The highest population minor allele frequency in gnomAD v2.1.1 is 0.000008797 in the European (non-Finnish) population (PM2_Supporting, BS1, and BA1 are not met). In summary, this variant meets criteria to be classified as pathogenic for autosomal dominant ATM-related cancer predisposition and autosomal recessive Ataxia-Telangiectasia based on the ACMG/AMP criteria applied as specified by the HBOP Variant Curation Expert Panel. (PVS1, PM5_Supporting, PM3_Strong)

Labcorp Genetics (formerly Invitae), Labcorp
Classification: Pathogenic for Ataxia-telangiectasia syndrome. Last evaluated: 2025-11-28. Review status: criteria provided, single submitter. Criteria: Invitae Variant Classification Sherloc (09022015). Collection method: clinical testing. Allele origin: germline. Not counted in ClinVar's aggregate classification.
Comment: This sequence change creates a premature translational stop signal (p.Glu1072*) in the ATM gene. It is expected to result in an absent or disrupted protein product. Loss-of-function variants in ATM are known to be pathogenic (PMID: 23807571, 25614872). This variant is present in population databases (no rsID available, gnomAD 0.0009%). This premature translational stop signal has been observed in individual(s) with ataxia-telangiectasia (PMID: 9443866, 22585167). ClinVar contains an entry for this variant (Variation ID: 407699). Algorithms developed to predict the effect of sequence changes on RNA splicing suggest that this variant may disrupt the consensus splice site. For these reasons, this variant has been classified as Pathogenic.

Color Diagnostics, LLC DBA Color Health
Classification: Pathogenic for Hereditary cancer-predisposing syndrome. Last evaluated: 2025-05-21. Review status: criteria provided, single submitter. Criteria: ACMG Guidelines, 2015. Collection method: clinical testing. Allele origin: germline. Not counted in ClinVar's aggregate classification.
Comment: This variant changes 1 nucleotide in exon 22 of the ATM gene, creating a premature translation stop signal. This variant is expected to result in an absent or non-functional protein product. This variant has been observed in compound heterozygosity with a second pathogenic variant in individuals affected with autosomal recessive Ataxia-Telangiectasia (PMID: 21833744, 26896183, 30579816), indicating that this variant contributes to disease. This variant has also been observed in individuals affected with pancreatic cancer (PMID: 22585167) and ovarian cancer (PMID: 29053726). This variant has been identified in 1/251360 chromosomes in the general population by the Genome Aggregation Database (gnomAD). Loss of ATM function is a known mechanism of disease. Based on the available evidence, this variant is classified as Pathogenic.

Ambry Genetics
Classification: Pathogenic for Hereditary cancer-predisposing syndrome. Last evaluated: 2024-10-21. Review status: criteria provided, single submitter. Criteria: Ambry Variant Classification Scheme 2023. Collection method: clinical testing. Allele origin: germline. Not counted in ClinVar's aggregate classification.
Comment: The p.E1072* pathogenic mutation (also known as c.3214G>T), located in coding exon 21 of the ATM gene, results from a G to T substitution at nucleotide position 3214. This changes the amino acid from a glutamic acid to a stop codon within coding exon 21. This mutation has been detected in conjunction with a second ATM alteration in numerous patients with Ataxia-Telangiectasia (A-T) (Wright J et al. Am. J. Hum. Genet., 1996 Oct;59:839-46; Telatar M et al. Am. J. Hum. Genet., 1998 Jan;62:86-97; Teraoka SN et al. Am J Hum Genet, 1999 Jun;64:1617-31; Mitui M et al. Ann. Hum. Genet., 2005 Nov;69:657-64; Soukupova J et al. Neuromolecular Med., 2011 Sep;13:204-11; Paucar M et al. Parkinsonism Relat Disord, 2019 05;62:253-255). This mutation has also been detected in patients with pancreatic and ovarian cancer (Roberts NJ et al. Cancer Discov, 2012 Jan;2:41-6; Harter P et al. PLoS One, 2017 Oct;12:e0186043; Hutchings D et al. Mod Pathol, 2019 12;32:1806-1813). This variant is considered to be rare based on population cohorts in the Genome Aggregation Database (gnomAD). In addition to the clinical data presented in the literature, this alteration is expected to result in loss of function by premature protein truncation or nonsense-mediated mRNA decay. As such, this alteration is interpreted as a disease-causing mutation.

Myriad Genetics, Inc.
Classification: Pathogenic for Familial cancer of breast. Last evaluated: 2024-01-19. Review status: criteria provided, single submitter. Criteria: Myriad Autosomal Dominant, Autosomal Recessive and X-Linked Classification Criteria (2023). Collection method: clinical testing. Allele origin: unknown. Not counted in ClinVar's aggregate classification.
Comment: This variant is considered pathogenic. This variant creates a termination codon and is predicted to result in premature protein truncation.

Baylor Genetics
Classification: Pathogenic for Familial cancer of breast. Last evaluated: 2023-10-13. Review status: criteria provided, single submitter. Criteria: ACMG Guidelines, 2015. Collection method: clinical testing. Allele origin: unknown. Not counted in ClinVar's aggregate classification.

Women's Health and Genetics/Laboratory Corporation of America, LabCorp
Classification: Pathogenic for Ataxia-telangiectasia syndrome. Last evaluated: 2022-07-11. Review status: criteria provided, single submitter. Criteria: LabCorp Variant Classification Summary - May 2015. Collection method: clinical testing. Allele origin: germline. Not counted in ClinVar's aggregate classification.
Comment: Variant summary: ATM c.3214G>T (p.Glu1072X) results in a premature termination codon, predicted to cause a truncation of the encoded protein or absence of the protein due to nonsense mediated decay, which are commonly known mechanisms for disease. Truncations downstream of this position have been classified as pathogenic by our laboratory. The variant allele was found at a frequency of 4e-06 in 251360 control chromosomes. c.3214G>T has been reported in the literature in individuals affected with Ataxia-Telangiectasia (Soukupova_2011, Mitui_2005, Jackson_2016). These data indicate that the variant is likely to be associated with disease. Six clinical diagnostic laboratories have submitted clinical-significance assessments for this variant to ClinVar after 2014 without evidence for independent evaluation. All laboratories classified the variant as pathogenic. Based on the evidence outlined above, the variant was classified as pathogenic.

GeneDx
Classification: Pathogenic. Last evaluated: 2022-01-07. Review status: criteria provided, single submitter. Criteria: GeneDx Variant Classification Process June 2021. Collection method: clinical testing. Allele origin: germline. Affected: yes. Not counted in ClinVar's aggregate classification.
Comment: Nonsense variant predicted to result in protein truncation or nonsense mediated decay in a gene for which loss-of-function is a known mechanism of disease; Not observed at significant frequency in large population cohorts (gnomAD); Identified in the heterozygous state in individuals with pancreatic cancer (Roberts et al., 2012; Hutchings et al., 2019); This variant is associated with the following publications: (PMID: 8808599, 22585167, 25525159, 9443866, 30579816, 21833744, 31285527, 16266405)

Blueprint Genetics
Classification: Pathogenic for ATM-related disorders. Last evaluated: 2021-07-12. Review status: criteria provided, single submitter. Criteria: ACMG Guidelines, 2015. Collection method: clinical testing. Allele origin: germline. Affected: yes. Observed: 1 variant allele. Not counted in ClinVar's aggregate classification.

Athena Diagnostics
Classification: Pathogenic. Last evaluated: 2020-09-18. Review status: criteria provided, single submitter. Criteria: Athena Diagnostics criteria. Collection method: clinical testing. Allele origin: unknown. Not counted in ClinVar's aggregate classification.
Comment: This variant is expected to result in the loss of a functional protein. The frequency of this variant in the general population is consistent with pathogenicity. This variant has been identified in at least one individual with clinical features associated with this gene. In multiple individuals, this variant has been seen with a single recessive pathogenic variant in the same gene, suggesting this variant may also be pathogenic.

Human Genome Sequencing Center Clinical Lab, Baylor College of Medicine
Classification: Pathogenic for Susceptibility to breast cancer; Ataxia-telangiectasia. Last evaluated: 2018-11-13. Review status: criteria provided, single submitter. Criteria: ACMG Guidelines, 2015. Collection method: clinical testing. Allele origin: germline. Not counted in ClinVar's aggregate classification.
Comment: The c.3214G>T (p.Glu1072*) variant in exon 22 of the ATM gene introduces a premature termination codon and is predicted to lead to nonsense-mediated mRNA decay, which is a known disease mechanism for this gene. This variant has been observed in at least two patients with ataxia telangiectasia for which the second allele is both known to be in trans, and is a pathogenic variant (PMID 21833744 and 16266405). This variant is has been observed only once in a heterozygous state in a large population database (gnomAD). Therefore, the c.3214G>T (p.Glu1072*) variant in the ATM gene is classified as pathogenic.

Natera, Inc.
Classification: Pathogenic for Ataxia-telangiectasia. Last evaluated: 2020-09-16. Review status: no assertion criteria provided. Collection method: clinical testing. Allele origin: germline. Not counted in ClinVar's aggregate classification.

Literature cited by the submitters: PubMed 23807571 (cited by Labcorp Genetics (formerly Invitae), Labcorp); PubMed 25614872 (cited by Labcorp Genetics (formerly Invitae), Labcorp); PubMed 9443866 (cited by 3 submitters); PubMed 22585167 (cited by 4 submitters); PubMed 21833744 (cited by 4 submitters); PubMed 26896183 (cited by Color Diagnostics, LLC DBA Color Health and Women's Health and Genetics/Laboratory Corporation of America, LabCorp); PubMed 29053726 (cited by Color Diagnostics, LLC DBA Color Health and Ambry Genetics); PubMed 30579816 (cited by 3 submitters); PubMed 10330348 (cited by Ambry Genetics); PubMed 16266405 (cited by Ambry Genetics and Women's Health and Genetics/Laboratory Corporation of America, LabCorp); PubMed 31285527 (cited by Ambry Genetics); PubMed 8808599 (cited by Ambry Genetics).

NM_000051.4(ATM):c.3214G>T (p.Glu1072Ter)

Gene: ATM (ATM serine/threonine kinase; plus strand). Cytogenetic location: 11q22.3.
Variant type: single nucleotide variant.
Coding change: c.3214G>T on transcript NM_000051.4 (MANE Select); coding-DNA position 3214, G replaced by T.
Protein change: p.Glu1072Ter; replaces glutamic acid 1072 with a stop codon.
Molecular consequence: nonsense.
Genome position (GRCh38, 1-based): chr11:108,272,782, G>T. VCF-style: chr11-108272782-G-T. GRCh37 (hg19) VCF-style: chr11-108143509-G-T.
Other names: NM_000051.4(ATM):c.3214G>T; p.Glu1072Ter; c.3214G>T, p.Glu1072Ter (NM_001351834.2); short protein forms E1072*.
Identifiers: ClinVar variation 407699 (VCV000407699.28), dbSNP rs1060501687, ClinGen allele CA16613125.
Genomic context (GRCh38, chr11:108,272,782, plus strand): 5'-GCTGATCCTTATTCAAAATGGGCCATTCTTAATGTAATGGGAAAAGACTTTCCTGTAAAT[G>T]AAGTATTTACACAATTTCTTGCTGACAATCATCACCAAGTTCGCATGTTGGCTGCAGAGT-3'